The following is an entry in ClinVar:

ClinVar aggregate classification (germline): Uncertain significance (1 of 4 stars; one submission).

Allele frequency attached by ClinVar (database versions not stated): TOPMed 0.00002; gnomAD 0.00002.
gnomAD v4.1: 3 of 1,614,046 alleles (0.00019%); highest among the groups gnomAD compares: African/African-American, 0.004%; no homozygotes.

Submission:

Labcorp Genetics (formerly Invitae), Labcorp
Classification: Uncertain significance. Last evaluated: 2025-10-15. Review status: criteria provided, single submitter. Criteria: Invitae Variant Classification Sherloc (09022015). Collection method: clinical testing. Allele origin: germline.
Comment: This sequence change replaces asparagine, which is neutral and polar, with serine, which is neutral and polar, at codon 155 of the FZD4 protein (p.Asn155Ser). This variant is present in population databases (no rsID available, gnomAD 0.01%). This variant has not been reported in the literature in individuals affected with FZD4-related conditions. ClinVar contains an entry for this variant (Variation ID: 2848482). Invitae Evidence Modeling of protein sequence and biophysical properties (such as structural, functional, and spatial information, amino acid conservation, physicochemical variation, residue mobility, and thermodynamic stability) indicates that this missense variant is not expected to disrupt FZD4 protein function with a negative predictive value of 80%. In summary, the available evidence is currently insufficient to determine the role of this variant in disease. Therefore, it has been classified as a Variant of Uncertain Significance.

NM_012193.4(FZD4):c.464A>G (p.Asn155Ser)

Genes: FZD4 (frizzled class receptor 4; minus strand), PRSS23 (serine protease 23; plus strand). Cytogenetic location: 11q14.2.
Variant type: single nucleotide variant.
Coding change: c.464A>G on transcript NM_012193.4 (MANE Select); coding-DNA position 464, A replaced by G.
Protein change: p.Asn155Ser; replaces asparagine 155 with serine.
Molecular consequence: missense variant. On other transcripts: non-coding transcript variant (2).
Genome position (GRCh38, 1-based): chr11:86,952,292, T>C on the plus strand (A>G on the coding strand, the complement: FZD4 is on the minus strand). VCF-style: chr11-86952292-T-C. GRCh37 (hg19) VCF-style: chr11-86663334-T-C.
Other names: short protein forms N155S.
Identifiers: ClinVar variation 2848482 (VCV002848482.3), dbSNP rs1383366398, ClinGen allele CA382016228.